The following is an entry in ClinVar:

NM_004281.4(BAG3):c.1242G>C (p.Glu414Asp)

Gene: BAG3 (BAG cochaperone 3; plus strand). Cytogenetic location: 10q26.11.
Variant type: single nucleotide variant.
Coding change: c.1242G>C on transcript NM_004281.4 (MANE Select); coding-DNA position 1242, G replaced by C.
Protein change: p.Glu414Asp; replaces glutamic acid 414 with aspartic acid.
Molecular consequence: missense variant.
Genome position (GRCh38, 1-based): chr10:119,676,796, G>C. VCF-style: chr10-119676796-G-C. GRCh37 (hg19) VCF-style: chr10-121436308-G-C.
Other names: short protein forms E414D.
Identifiers: ClinVar variation 948440 (VCV000948440.1), dbSNP rs1847243505, ClinGen allele CA378296900.
Genomic context (GRCh38, chr10:119,676,796, plus strand): 5'-GAGGGCAGCCCCCAGCACTGCCCCTGCAGAAGCTACACCTCCAAAACCAGGAGAAGCCGA[G>C]GCTCCCCCAAAACATCCAGGAGTGCTGAAAGTGGAAGCCATCCTGGAGAAGGTACAGGGG-3'
Protein context (NP_004272.2, residues 404-424): EATPPKPGEA[Glu414Asp]APPKHPGVLK

ClinVar aggregate classification (germline): Uncertain significance (1 of 4 stars; one submission).

Conditions:
Myofibrillar myopathy 6. Identifiers: Orphanet 199340, MedGen C2751831, MONDO:0013061, OMIM 612954.
Dilated cardiomyopathy 1HH (CMD1HH). Identifiers: Orphanet 154, MedGen C3151293, MONDO:0013479, OMIM 613881.

Submission:

Labcorp Genetics (formerly Invitae), Labcorp
Classification: Uncertain significance for Dilated cardiomyopathy 1HH; Myofibrillar myopathy, BAG3-related. Last evaluated: 2019-05-18. Review status: criteria provided, single submitter. Criteria: Invitae Variant Classification Sherloc (09022015). Collection method: clinical testing. Allele origin: germline.
Comment: This sequence change replaces glutamic acid with aspartic acid at codon 414 of the BAG3 protein (p.Glu414Asp). The glutamic acid residue is weakly conserved and there is a small physicochemical difference between glutamic acid and aspartic acid. This variant is not present in population databases (ExAC no frequency). This variant has not been reported in the literature in individuals with BAG3-related conditions. Algorithms developed to predict the effect of missense changes on protein structure and function output the following: SIFT: "Tolerated"; PolyPhen-2: "Not Available"; Align-GVGD: "Class C0". The aspartic acid amino acid residue is found in multiple mammalian species, suggesting that this missense change does not adversely affect protein function. These predictions have not been confirmed by published functional studies and their clinical significance is uncertain. In summary, the available evidence is currently insufficient to determine the role of this variant in disease. Therefore, it has been classified as a Variant of Uncertain Significance.